The following is an entry in ClinVar:

ClinVar aggregate classification (germline): Uncertain significance. Review status: criteria provided, multiple submitters, no conflicts (2 of 4 stars). 2 submissions from 2 submitters: Uncertain significance (2). Last evaluated 2024-05-08.

Conditions:
Hereditary pancreatitis (PCTT). Also called: PRSS1-Related Hereditary Pancreatitis; Hereditary chronic pancreatitis. Identifiers: Orphanet 676, MedGen C0238339, MONDO:0008185, OMIM 167800.

gnomAD v4.1: 1 of 1,613,864 alleles (0.000062%); highest among the groups gnomAD compares: Admixed American, 0.0017%; no homozygotes.

Submissions (2):

Ambry Genetics
Classification: Uncertain significance for Hereditary pancreatitis. Last evaluated: 2024-05-08. Review status: criteria provided, single submitter. Criteria: Ambry Variant Classification Scheme 2023. Collection method: clinical testing. Allele origin: germline.
Comment: The p.N106K variant (also known as c.318T>G), located in coding exon 3 of the PRSS1 gene, results from a T to G substitution at nucleotide position 318. The asparagine at codon 106 is replaced by lysine, an amino acid with similar properties. This amino acid position is conserved. In addition, the in silico prediction for this alteration is inconclusive. Based on the available evidence, the clinical significance of this variant remains unclear.

Labcorp Genetics (formerly Invitae), Labcorp
Classification: Uncertain significance for Hereditary pancreatitis. Last evaluated: 2024-05-04. Review status: criteria provided, single submitter. Criteria: Invitae Variant Classification Sherloc (09022015). Collection method: clinical testing. Allele origin: germline.
Comment: This sequence change replaces asparagine, which is neutral and polar, with lysine, which is basic and polar, at codon 106 of the PRSS1 protein (p.Asn106Lys). This variant is not present in population databases (gnomAD no frequency). This variant has not been reported in the literature in individuals affected with PRSS1-related conditions. Advanced modeling of protein sequence and biophysical properties (such as structural, functional, and spatial information, amino acid conservation, physicochemical variation, residue mobility, and thermodynamic stability) performed at Invitae indicates that this missense variant is not expected to disrupt PRSS1 protein function with a negative predictive value of 80%. In summary, the available evidence is currently insufficient to determine the role of this variant in disease. Therefore, it has been classified as a Variant of Uncertain Significance.

NM_002769.5(PRSS1):c.318T>G (p.Asn106Lys)

Genes: PRSS1 (serine protease 1; plus strand), TRB (T cell receptor beta locus; plus strand). Cytogenetic location: 7q34.
Variant type: single nucleotide variant.
Coding change: c.318T>G on transcript NM_002769.5 (MANE Select); coding-DNA position 318, T replaced by G.
Protein change: p.Asn106Lys; replaces asparagine 106 with lysine.
Molecular consequence: missense variant. On other transcripts: non-coding transcript variant (4).
Genome position (GRCh38, 1-based): chr7:142,751,891, T>G. VCF-style: chr7-142751891-T-G. GRCh37 (hg19) VCF-style: chr7-142459742-T-G.
Other names: short protein forms N106K.
Identifiers: ClinVar variation 3310651 (VCV003310651.3).